The following is an entry in ClinVar:

NM_004064.5(CDKN1B):c.142C>T (p.His48Tyr)

Gene: CDKN1B (cyclin dependent kinase inhibitor 1B; plus strand). Cytogenetic location: 12p13.1.
Variant type: single nucleotide variant.
Coding change: c.142C>T on transcript NM_004064.5 (MANE Select); coding-DNA position 142, C replaced by T.
Protein change: p.His48Tyr; replaces histidine 48 with tyrosine.
Molecular consequence: missense variant.
Genome position (GRCh38, 1-based): chr12:12,717,981, C>T. VCF-style: chr12-12717981-C-T. GRCh37 (hg19) VCF-style: chr12-12870915-C-T.
Other names: short protein forms H48Y.
Identifiers: ClinVar variation 955683 (VCV000955683.17), dbSNP rs375515128, ClinGen allele CA6457390.

ClinVar aggregate classification (germline): Conflicting classifications of pathogenicity. Review status: criteria provided, conflicting classifications (1 of 4 stars). 6 submissions from 6 submitters: Uncertain significance (5); Likely benign (1). Last evaluated 2026-02-11.

Conditions:
Multiple endocrine neoplasia type 4. Also called: MULTIPLE ENDOCRINE NEOPLASIA, TYPE IV. Identifiers: Orphanet 276152, MedGen C1970712, MONDO:0012552, OMIM 610755.
Hereditary cancer-predisposing syndrome. Also called: Hereditary neoplastic syndrome; Tumor predisposition; Neoplastic Syndromes, Hereditary; Hereditary Cancer Syndrome. Identifiers: Orphanet 140162, MedGen C0027672, MeSH D009386, MONDO:0015356.

Allele frequency attached by ClinVar (database versions not stated): gnomAD exomes below 0.00001 and 0.00002; TOPMed below 0.00001; gnomAD 0.00001; ExAC 0.00002; ESP Exome Variant Server 0.00008.
gnomAD v4.1: 8 of 1,614,132 alleles (0.0005%); highest among the groups gnomAD compares: Admixed American, 0.0033%; no homozygotes.

Submissions (6):

St. Jude Molecular Pathology, St. Jude Children's Research Hospital
Classification: Uncertain significance for Multiple endocrine neoplasia type 4. Last evaluated: 2026-02-11. Review status: criteria provided, single submitter. Criteria: St. Jude Assertion Criteria 2020. Collection method: clinical testing. Allele origin: germline.
Comment: The CDKN1B c.142C>T p.(His48Tyr) missense change has a maximum subpopulation frequency of 0.006% in gnomAD v2.1.1. The in silico tool REVEL is inconclusive about a pathogenic or benign effect of this variant on protein function. To our knowledge, this variant has not been reported in the literature in individuals with multiple endocrine neoplasia type 4. In summary, the evidence currently available is insufficient to determine the clinical significance of this variant. It has therefore been classified as of uncertain significance.

Labcorp Genetics (formerly Invitae), Labcorp
Classification: Uncertain significance for Multiple endocrine neoplasia type 4. Last evaluated: 2025-08-28. Review status: criteria provided, single submitter. Criteria: Invitae Variant Classification Sherloc (09022015). Collection method: clinical testing. Allele origin: germline.
Comment: This sequence change replaces histidine, which is basic and polar, with tyrosine, which is neutral and polar, at codon 48 of the CDKN1B protein (p.His48Tyr). This variant is present in population databases (rs375515128, gnomAD 0.006%). This variant has not been reported in the literature in individuals affected with CDKN1B-related conditions. ClinVar contains an entry for this variant (Variation ID: 955683). An algorithm developed to predict the effect of missense changes on protein structure and function (PolyPhen-2) suggests that this variant is likely to be disruptive. In summary, the available evidence is currently insufficient to determine the role of this variant in disease. Therefore, it has been classified as a Variant of Uncertain Significance.

Quest Diagnostics Nichols Institute San Juan Capistrano
Classification: Uncertain significance. Last evaluated: 2024-08-08. Review status: criteria provided, single submitter. Criteria: Quest Diagnostics criteria. Collection method: clinical testing. Allele origin: unknown.
Comment: The CDKN1B c.142C>T (p.His48Tyr) variant has not been reported in individuals with CDKN1B-related conditions in the published literature. The frequency of this variant in the general population, 0.000023 (3/129166 chromosomes (Genome Aggregation Database)), is uninformative in the assessment of its pathogenicity. Analysis of this variant using bioinformatics tools for the prediction of the effect of amino acid changes on protein structure and function yielded conflicting predictions that this variant is benign or damaging. Based on the available information, we are unable to determine the clinical significance of this variant.

Baylor Genetics
Classification: Uncertain significance for Multiple endocrine neoplasia type 4. Last evaluated: 2024-02-25. Review status: criteria provided, single submitter. Criteria: ACMG Guidelines, 2015. Collection method: clinical testing. Allele origin: unknown.

Ambry Genetics
Classification: Likely benign for Hereditary cancer-predisposing syndrome. Last evaluated: 2024-02-14. Review status: criteria provided, single submitter. Criteria: Ambry Variant Classification Scheme 2023. Collection method: clinical testing. Allele origin: germline.

GeneDx
Classification: Uncertain significance. Last evaluated: 2023-11-29. Review status: criteria provided, single submitter. Criteria: GeneDx Variant Classification Process June 2021. Collection method: clinical testing. Allele origin: germline. Affected: yes.
Comment: Not observed at significant frequency in large population cohorts (gnomAD); In silico analysis supports that this missense variant has a deleterious effect on protein structure/function; Has not been previously published as pathogenic or benign to our knowledge